The following is an entry in ClinVar:

NM_032043.3(BRIP1):c.2088A>G (p.Pro696=)

Gene: BRIP1 (BRCA1 interacting DNA helicase 1; minus strand). Cytogenetic location: 17q23.2.
Variant type: single nucleotide variant.
Coding change: c.2088A>G on transcript NM_032043.3 (MANE Select); coding-DNA position 2088, A replaced by G.
Protein change: p.Pro696=; no amino-acid change (proline 696 retained).
Molecular consequence: synonymous variant.
Genome position (GRCh38, 1-based): chr17:61,776,410, T>C on the plus strand (A>G on the coding strand, the complement: BRIP1 is on the minus strand). VCF-style: chr17-61776410-T-C. GRCh37 (hg19) VCF-style: chr17-59853771-T-C.
Identifiers: ClinVar variation 1785659 (VCV001785659.6), dbSNP rs768436074, ClinGen allele CA501150124.

ClinVar aggregate classification (germline): Benign/Likely benign. Review status: criteria provided, multiple submitters, no conflicts (2 of 4 stars). 3 submissions from 3 submitters: Benign (1); Likely benign (2). Last evaluated 2024-09-03.

Conditions:
Fanconi anemia complementation group J. Also called: BRIP1-Related Fanconi Anemia. Identifiers: Orphanet 84, MedGen C1836860, MONDO:0012187, OMIM 609054.
Familial cancer of breast. Also called: BREAST CANCER, FAMILIAL; Hereditary breast cancer; hereditary breast carcinoma. Identifiers: Orphanet 227535, MedGen C0346153, MONDO:0016419, OMIM 114480. Disease mechanism: loss of function.
Hereditary cancer-predisposing syndrome. Also called: Tumor predisposition; Neoplastic Syndromes, Hereditary; Hereditary Cancer Syndrome; Hereditary neoplastic syndrome. Identifiers: Orphanet 140162, MedGen C0027672, MeSH D009386, MONDO:0015356.

Submissions (3):

Myriad Genetics, Inc.
Classification: Benign for Familial cancer of breast. Last evaluated: 2024-09-03. Review status: criteria provided, single submitter. Criteria: Myriad Autosomal Dominant, Autosomal Recessive and X-Linked Classification Criteria (2023). Collection method: clinical testing. Allele origin: unknown.
Comment: This variant is considered benign. This variant is a silent/synonymous amino acid change and it is not expected to impact splicing.

Labcorp Genetics (formerly Invitae), Labcorp
Classification: Likely benign for Familial cancer of breast; Fanconi anemia complementation group J. Last evaluated: 2023-09-22. Review status: criteria provided, single submitter. Criteria: Invitae Variant Classification Sherloc (09022015). Collection method: clinical testing. Allele origin: germline.

Ambry Genetics
Classification: Likely benign for Hereditary cancer-predisposing syndrome. Last evaluated: 2020-03-13. Review status: criteria provided, single submitter. Criteria: Ambry Variant Classification Scheme 2023. Collection method: clinical testing. Allele origin: germline.